The following is an entry in ClinVar:

NM_032119.4(ADGRV1):c.16339T>C (p.Phe5447Leu)

Gene: ADGRV1 (adhesion G protein-coupled receptor V1; plus strand). Cytogenetic location: 5q14.3.
Variant type: single nucleotide variant.
Coding change: c.16339T>C on transcript NM_032119.4 (MANE Select); coding-DNA position 16339, T replaced by C.
Protein change: p.Phe5447Leu; replaces phenylalanine 5447 with leucine.
Molecular consequence: missense variant. On other transcripts: non-coding transcript variant (1).
Genome position (GRCh38, 1-based): chr5:90,823,567, T>C. VCF-style: chr5-90823567-T-C. GRCh37 (hg19) VCF-style: chr5-90119384-T-C.
Other names: short protein forms F5447L.
Identifiers: ClinVar variation 1394422 (VCV001394422.8), dbSNP rs774469325, ClinGen allele CA3342117.
Genomic context (GRCh38, chr5:90,823,567, plus strand): 5'-GTGGAGGAACTTCAGTCTGTGTCAGGGACCACAACCTGTACAATGGGTCAAACAAAATGC[T>C]TTATCAGCATTGAACTCAAACCAGAAAAGGTAAGAAATGAAGAGACACACTAGTGTCAAC-3'
Protein context (NP_115495.3, residues 5437-5457): TTCTMGQTKC[Phe5447Leu]ISIELKPEKV

ClinVar aggregate classification (germline): Uncertain significance (1 of 4 stars; one submission).

Allele frequency attached by ClinVar (database versions not stated): gnomAD exomes below 0.00001 and 0.00001; ExAC 0.00001; TOPMed 0.00001.
gnomAD v4.1: 3 of 1,613,936 alleles (0.00019%); highest among the groups gnomAD compares: Non-Finnish European, 0.00025%; no homozygotes.

Submission:

Labcorp Genetics (formerly Invitae), Labcorp
Classification: Uncertain significance. Last evaluated: 2022-05-28. Review status: criteria provided, single submitter. Criteria: Invitae Variant Classification Sherloc (09022015). Collection method: clinical testing. Allele origin: germline.
Comment: ClinVar contains an entry for this variant (Variation ID: 1394422). This sequence change replaces phenylalanine, which is neutral and non-polar, with leucine, which is neutral and non-polar, at codon 5447 of the ADGRV1 protein (p.Phe5447Leu). This variant is present in population databases (rs774469325, gnomAD 0.0009%). This variant has not been reported in the literature in individuals affected with ADGRV1-related conditions. Algorithms developed to predict the effect of missense changes on protein structure and function output the following: SIFT: "Tolerated"; PolyPhen-2: "Benign"; Align-GVGD: "Class C0". The leucine amino acid residue is found in multiple mammalian species, which suggests that this missense change does not adversely affect protein function. In summary, the available evidence is currently insufficient to determine the role of this variant in disease. Therefore, it has been classified as a Variant of Uncertain Significance.